The following is an entry in ClinVar:

ClinVar aggregate classification (germline): Uncertain significance (1 of 4 stars; one submission).

Conditions:
Arrhythmogenic right ventricular dysplasia 9 (ARVD9). Also called: Arrhythmogenic Right Ventricular Dysplasia/Cardiomyopathy 9; ARRHYTHMOGENIC RIGHT VENTRICULAR DYSPLASIA, FAMILIAL, 9. Identifiers: MedGen C1836906, MONDO:0012180, OMIM 609040.

Submission:

Labcorp Genetics (formerly Invitae), Labcorp
Classification: Uncertain significance for Arrhythmogenic right ventricular dysplasia 9. Last evaluated: 2025-03-15. Review status: criteria provided, single submitter. Criteria: Invitae Variant Classification Sherloc (09022015). Collection method: clinical testing. Allele origin: germline.
Comment: This sequence change replaces aspartic acid, which is acidic and polar, with asparagine, which is neutral and polar, at codon 426 of the PKP2 protein (p.Asp426Asn). This variant is not present in population databases (gnomAD no frequency). This variant has not been reported in the literature in individuals affected with PKP2-related conditions. An algorithm developed to predict the effect of missense changes on protein structure and function (PolyPhen-2) suggests that this variant is likely to be disruptive. In summary, the available evidence is currently insufficient to determine the role of this variant in disease. Therefore, it has been classified as a Variant of Uncertain Significance.

NM_001005242.3(PKP2):c.1276G>A (p.Asp426Asn)

Gene: PKP2 (plakophilin 2; minus strand). Cytogenetic location: 12p11.21.
Variant type: single nucleotide variant.
Coding change: c.1276G>A on transcript NM_001005242.3 (MANE Select); coding-DNA position 1276, G replaced by A.
Protein change: p.Asp426Asn; replaces aspartic acid 426 with asparagine.
Molecular consequence: missense variant.
Genome position (GRCh38, 1-based): chr12:32,850,868, C>T on the plus strand (G>A on the coding strand, the complement: PKP2 is on the minus strand). VCF-style: chr12-32850868-C-T. GRCh37 (hg19) VCF-style: chr12-33003802-C-T.
Other names: c.1276G>A, p.Asp426Asn (NM_001407155.1, NM_001407156.1, NM_001407157.1 and 2 more transcripts); c.949G>A, p.Asp317Asn (NM_001407158.1, NM_001407159.1, NM_001407160.1 and 1 more transcripts); short protein forms D317N, D426N.
Identifiers: ClinVar variation 4780416 (VCV004780416.1).